The following is an entry in ClinVar:

ClinVar aggregate classification (germline): Uncertain significance (1 of 4 stars; one submission).

Submission:

Labcorp Genetics (formerly Invitae), Labcorp
Classification: Uncertain significance. Last evaluated: 2024-04-18. Review status: criteria provided, single submitter. Criteria: Invitae Variant Classification Sherloc (09022015). Collection method: clinical testing. Allele origin: germline.
Comment: This sequence change replaces methionine, which is neutral and non-polar, with valine, which is neutral and non-polar, at codon 34 of the GATAD2B protein (p.Met34Val). This variant is not present in population databases (gnomAD no frequency). This variant has not been reported in the literature in individuals affected with GATAD2B-related conditions. Advanced modeling of protein sequence and biophysical properties (such as structural, functional, and spatial information, amino acid conservation, physicochemical variation, residue mobility, and thermodynamic stability) performed at Invitae indicates that this missense variant is not expected to disrupt GATAD2B protein function with a negative predictive value of 80%. In summary, the available evidence is currently insufficient to determine the role of this variant in disease. Therefore, it has been classified as a Variant of Uncertain Significance.

NM_020699.4(GATAD2B):c.100A>G (p.Met34Val)

Gene: GATAD2B (GATA zinc finger domain containing 2B; minus strand). Cytogenetic location: 1q21.3.
Variant type: single nucleotide variant.
Coding change: c.100A>G on transcript NM_020699.4 (MANE Select); coding-DNA position 100, A replaced by G.
Protein change: p.Met34Val; replaces methionine 34 with valine.
Molecular consequence: missense variant.
Genome position (GRCh38, 1-based): chr1:153,828,248, T>C on the plus strand (A>G on the coding strand, the complement: GATAD2B is on the minus strand). VCF-style: chr1-153828248-T-C. GRCh37 (hg19) VCF-style: chr1-153800724-T-C.
Other names: short protein forms M34V.
Identifiers: ClinVar variation 2967327 (VCV002967327.3), dbSNP rs2525291867, ClinGen allele CA342541590.